The following is an entry in ClinVar:

NM_021098.3(CACNA1H):c.2451+4C>G

Gene: CACNA1H (calcium voltage-gated channel subunit alpha1 H; plus strand). Cytogenetic location: 16p13.3.
Variant type: single nucleotide variant.
Coding change: c.2451+4C>G on transcript NM_021098.3 (MANE Select); 4 bases into the intron after coding-DNA position 2451, C replaced by G.
Molecular consequence: intron variant.
Genome position (GRCh38, 1-based): chr16:1,204,462, C>G. VCF-style: chr16-1204462-C-G. GRCh37 (hg19) VCF-style: chr16-1254462-C-G.
Other names: c.2451+4C>G (NM_001005407.2).
Identifiers: ClinVar variation 1468076 (VCV001468076.6), dbSNP rs764605459, ClinGen allele CA2573151704.

ClinVar aggregate classification (germline): Uncertain significance (1 of 4 stars; one submission).

Conditions:
Idiopathic generalized epilepsy. Also called: Generalised epilepsy; EIG. Identifiers: MedGen C0270850, MONDO:0005579, OMIM 600669.
Hyperaldosteronism, familial, type IV (HALD4). Also called: FH IV; ALDOSTERONISM, PRIMARY, AND HYPERTENSION. Identifiers: Orphanet 642671, MedGen C4310756, MONDO:0014875, OMIM 617027.

Submission:

Labcorp Genetics (formerly Invitae), Labcorp
Classification: Uncertain significance for Idiopathic generalized epilepsy; Hyperaldosteronism, familial, type IV. Last evaluated: 2024-10-31. Review status: criteria provided, single submitter. Criteria: Invitae Variant Classification Sherloc (09022015). Collection method: clinical testing. Allele origin: germline.
Comment: This sequence change falls in intron 10 of the CACNA1H gene. It does not directly change the encoded amino acid sequence of the CACNA1H protein. It affects a nucleotide within the consensus splice site. This variant is not present in population databases (gnomAD no frequency). This variant has not been reported in the literature in individuals affected with CACNA1H-related conditions. ClinVar contains an entry for this variant (Variation ID: 1468076). Variants that disrupt the consensus splice site are a relatively common cause of aberrant splicing (PMID: 17576681, 9536098). Algorithms developed to predict the effect of sequence changes on RNA splicing suggest that this variant is not likely to affect RNA splicing. In summary, the available evidence is currently insufficient to determine the role of this variant in disease. Therefore, it has been classified as a Variant of Uncertain Significance.

Literature cited by the submitters: PubMed 17576681; PubMed 9536098.